The following is an entry in ClinVar:

ClinVar aggregate classification (germline): Likely pathogenic (1 of 4 stars; one submission).

Submission:

Labcorp Genetics (formerly Invitae), Labcorp
Classification: Likely pathogenic. Last evaluated: 2024-10-05. Review status: criteria provided, single submitter. Criteria: Invitae Variant Classification Sherloc (09022015). Collection method: clinical testing. Allele origin: germline.
Comment: This sequence change replaces glycine, which is neutral and non-polar, with tryptophan, which is neutral and slightly polar, at codon 1298 of the MYO7A protein (p.Gly1298Trp). This variant is not present in population databases (gnomAD no frequency). This variant has not been reported in the literature in individuals affected with MYO7A-related conditions. Invitae Evidence Modeling of protein sequence and biophysical properties (such as structural, functional, and spatial information, amino acid conservation, physicochemical variation, residue mobility, and thermodynamic stability) indicates that this missense variant is expected to disrupt MYO7A protein function with a positive predictive value of 95%. This variant disrupts the p.Gly1298 amino acid residue in MYO7A. Other variant(s) that disrupt this residue have been determined to be pathogenic (PMID: 29490346). This suggests that this residue is clinically significant, and that variants that disrupt this residue are likely to be disease-causing. In summary, the currently available evidence indicates that the variant is pathogenic, but additional data are needed to prove that conclusively. Therefore, this variant has been classified as Likely Pathogenic.

Literature cited by the submitters: PubMed 29490346.

NM_000260.4(MYO7A):c.3892G>T (p.Gly1298Trp)

Gene: MYO7A (myosin VIIA; plus strand). Cytogenetic location: 11q13.5.
Variant type: single nucleotide variant.
Coding change: c.3892G>T on transcript NM_000260.4 (MANE Select); coding-DNA position 3892, G replaced by T.
Protein change: p.Gly1298Trp; replaces glycine 1298 with tryptophan.
Molecular consequence: missense variant.
Genome position (GRCh38, 1-based): chr11:77,190,838, G>T. VCF-style: chr11-77190838-G-T. GRCh37 (hg19) VCF-style: chr11-76901883-G-T.
Other names: c.3892G>T, p.Gly1298Trp (NM_001127180.2); c.3859G>T, p.Gly1287Trp (NM_001369365.1); short protein forms G1287W, G1298W.
Identifiers: ClinVar variation 3634267 (VCV003634267.2).